The following is an entry in ClinVar:

ClinVar aggregate classification (germline): Likely benign (1 of 4 stars; one submission).

Allele frequency attached by ClinVar (database versions not stated): gnomAD exomes 0.00001; ExAC 0.00002.

Submission:

CeGaT Center for Human Genetics Tuebingen
Classification: Likely benign. Last evaluated: 2022-07-01. Review status: criteria provided, single submitter. Criteria: CeGaT Center For Human Genetics Tuebingen Variant Classification Criteria Version 2. Collection method: clinical testing. Allele origin: germline. Affected: yes. Observed: 1 variant allele.
Comment: MXRA5: BP4, BP7

NM_015419.4(MXRA5):c.915G>A (p.Gln305=)

Gene: MXRA5 (matrix remodeling associated 5; minus strand). Cytogenetic location: Xp22.33.
Variant type: single nucleotide variant.
Coding change: c.915G>A on transcript NM_015419.4 (MANE Select); coding-DNA position 915, G replaced by A.
Protein change: p.Gln305=; no amino-acid change (glutamine 305 retained).
Molecular consequence: synonymous variant.
Genome position (GRCh38, 1-based): chrX:3,324,770, C>T on the plus strand (G>A on the coding strand, the complement: MXRA5 is on the minus strand). VCF-style: chrX-3324770-C-T. GRCh37 (hg19) VCF-style: chrX-3242811-C-T.
Identifiers: ClinVar variation 2659888 (VCV002659888.24), dbSNP rs760703133, ClinGen allele CA10340415.